The following is an entry in ClinVar:

ClinVar aggregate classification (germline): Uncertain significance (1 of 4 stars; one submission).

Submission:

Labcorp Genetics (formerly Invitae), Labcorp
Classification: Uncertain significance. Last evaluated: 2022-04-24. Review status: criteria provided, single submitter. Criteria: Invitae Variant Classification Sherloc (09022015). Collection method: clinical testing. Allele origin: germline.
Comment: In summary, the available evidence is currently insufficient to determine the role of this variant in disease. Therefore, it has been classified as a Variant of Uncertain Significance. Advanced modeling of protein sequence and biophysical properties (such as structural, functional, and spatial information, amino acid conservation, physicochemical variation, residue mobility, and thermodynamic stability) performed at Invitae indicates that this missense variant is not expected to disrupt OPA1 protein function. This variant has not been reported in the literature in individuals affected with OPA1-related conditions. This variant is not present in population databases (gnomAD no frequency). This sequence change replaces arginine, which is basic and polar, with glycine, which is neutral and non-polar, at codon 6 of the OPA1 protein (p.Arg6Gly).

NM_130837.3(OPA1):c.16C>G (p.Arg6Gly)

Gene: OPA1 (OPA1 mitochondrial dynamin like GTPase; plus strand). Cytogenetic location: 3q29.
Variant type: single nucleotide variant.
Coding change: c.16C>G on transcript NM_130837.3 (MANE Select); coding-DNA position 16, C replaced by G.
Protein change: p.Arg6Gly; replaces arginine 6 with glycine.
Molecular consequence: missense variant. On other transcripts: 5 prime UTR variant (2).
Genome position (GRCh38, 1-based): chr3:193,593,393, C>G. VCF-style: chr3-193593393-C-G. GRCh37 (hg19) VCF-style: chr3-193311182-C-G.
Other names: c.-415C>G (NM_001354663.2, NM_001354664.2); c.16C>G, p.Arg6Gly (NM_015560.3, NM_130831.3, NM_130832.3 and 4 more transcripts); short protein forms R6G.
Identifiers: ClinVar variation 2130139 (VCV002130139.4), dbSNP rs2474395929, ClinGen allele CA355785458.